The following is an entry in ClinVar:

ClinVar aggregate classification (germline): Uncertain significance (1 of 4 stars; one submission).

Conditions:
Inborn genetic diseases. Identifiers: MedGen C0950123, MeSH D030342.

Submission:

Ambry Genetics
Classification: Uncertain significance for Inborn genetic diseases. Last evaluated: 2026-04-24. Review status: criteria provided, single submitter. Criteria: Ambry Variant Classification Scheme 2023. Collection method: clinical testing. Allele origin: germline.
Comment: The p.T146S variant (also known as c.436A>T), located in coding exon 3 of the USB1 gene, results from an A to T substitution at nucleotide position 436. The threonine at codon 146 is replaced by serine, an amino acid with similar properties. This amino acid position is conserved. In addition, this alteration is predicted to be tolerated by in silico analysis. Based on the available evidence, the clinical significance of this variant remains unclear.

NM_024598.4(USB1):c.436A>T (p.Thr146Ser)

Gene: USB1 (U6 snRNA biogenesis phosphodiesterase 1; plus strand). Cytogenetic location: 16q21.
Variant type: single nucleotide variant.
Coding change: c.436A>T on transcript NM_024598.4 (MANE Select); coding-DNA position 436, A replaced by T.
Protein change: p.Thr146Ser; replaces threonine 146 with serine.
Molecular consequence: missense variant.
Genome position (GRCh38, 1-based): chr16:58,010,099, A>T. VCF-style: chr16-58010099-A-T. GRCh37 (hg19) VCF-style: chr16-58044003-A-T.
Other names: c.436A>T, p.Thr146Ser (NM_001195302.2, NM_001204911.2, NM_001330569.2); c.283A>T, p.Thr95Ser (NM_001330568.2); short protein forms T146S, T95S.
Identifiers: ClinVar variation 4866356 (VCV004866356.1).